The following is an entry in ClinVar:

NM_000719.7(CACNA1C):c.5000G>A (p.Arg1667Gln)

Genes: CACNA1C (calcium voltage-gated channel subunit alpha1 C; plus strand), CACNA1C-AS1 (CACNA1C antisense RNA 1; minus strand). Cytogenetic location: 12p13.33.
Variant type: single nucleotide variant.
Coding change: c.5000G>A on transcript NM_000719.7 (MANE Select); coding-DNA position 5000, G replaced by A.
Protein change: p.Arg1667Gln; replaces arginine 1667 with glutamine.
Molecular consequence: missense variant. On other transcripts: non-coding transcript variant (1).
Genome position (GRCh38, 1-based): chr12:2,677,776, G>A. VCF-style: chr12-2677776-G-A. GRCh37 (hg19) VCF-style: chr12-2786942-G-A.
Other names: c.4967G>A, p.Arg1656Gln (NM_001167625.2, NM_001129846.2); c.5144G>A, p.Arg1715Gln (NM_199460.4, NM_001129827.2); c.5123G>A, p.Arg1708Gln (NM_001129829.2); c.5000G>A, p.Arg1667Gln (NM_001129830.3, NM_001129840.2, NM_001129841.2 and 4 more transcripts); c.5084G>A, p.Arg1695Gln (NM_001129831.2); c.5060G>A, p.Arg1687Gln (NM_001129832.2); c.5057G>A, p.Arg1686Gln (NM_001129833.2, NM_001129834.2, NM_001129835.2); c.5051G>A, p.Arg1684Gln (NM_001129836.2); and 3 more; short protein forms R1656Q, R1684Q, R1664Q, R1667Q, R1686Q, R1695Q, R1673Q, R1687Q.
Identifiers: ClinVar variation 2973366 (VCV002973366.3), dbSNP rs749078787, ClinGen allele CA6389677.

ClinVar aggregate classification (germline): Uncertain significance (1 of 4 stars; one submission).

Conditions:
Long QT syndrome (LQTS). Identifiers: MedGen C0023976, MeSH D008133, MONDO:0002442. Disease mechanism: loss of function. Inheritance: Various modes of inheritance.

Allele frequency attached by ClinVar (database versions not stated): TOPMed below 0.00001; ExAC 0.00001; gnomAD 0.00001.
gnomAD v4.1: 1 of 1,613,760 alleles (0.000062%); highest among the groups gnomAD compares: Non-Finnish European, 0.000085%; no homozygotes.

Submission:

Labcorp Genetics (formerly Invitae), Labcorp
Classification: Uncertain significance for Long QT syndrome. Last evaluated: 2024-10-24. Review status: criteria provided, single submitter. Criteria: Invitae Variant Classification Sherloc (09022015). Collection method: clinical testing. Allele origin: germline.
Comment: This sequence change replaces arginine, which is basic and polar, with glutamine, which is neutral and polar, at codon 1667 of the CACNA1C protein (p.Arg1667Gln). This variant is present in population databases (rs749078787, gnomAD 0.0009%). This variant has not been reported in the literature in individuals affected with CACNA1C-related conditions. Invitae Evidence Modeling of protein sequence and biophysical properties (such as structural, functional, and spatial information, amino acid conservation, physicochemical variation, residue mobility, and thermodynamic stability) has been performed for this missense variant. However, the output from this modeling did not meet the statistical confidence thresholds required to predict the impact of this variant on CACNA1C protein function. In summary, the available evidence is currently insufficient to determine the role of this variant in disease. Therefore, it has been classified as a Variant of Uncertain Significance.